The following is an entry in ClinVar:

ClinVar aggregate classification (germline): Likely benign (1 of 4 stars; one submission).

Submission:

CeGaT Center for Human Genetics Tuebingen
Classification: Likely benign. Last evaluated: 2022-09-01. Review status: criteria provided, single submitter. Criteria: CeGaT Center For Human Genetics Tuebingen Variant Classification Criteria Version 2. Collection method: clinical testing. Allele origin: germline. Affected: yes. Observed: 1 variant allele.
Comment: MUC4: PM2:Supporting, BP4, BP7

NM_018406.7(MUC4):c.8118T>G (p.Pro2706=)

Gene: MUC4 (mucin 4, cell surface associated). Cytogenetic location: 3q29.
Variant type: single nucleotide variant.
Coding change: c.8118T>G on transcript NM_018406.7 (MANE Select); coding-DNA position 8118, T replaced by G.
Protein change: p.Pro2706=; no amino-acid change (proline 2706 retained).
Molecular consequence: synonymous variant. On other transcripts: genic upstream transcript variant (2).
Genome position (GRCh38, 1-based): chr3:195,783,462, A>C on the plus strand (T>G on the coding strand, the complement: MUC4 is on the minus strand). VCF-style: chr3-195783462-A-C. GRCh37 (hg19) VCF-style: chr3-195510333-A-C.
Other names: c.11685T>G, p.Pro3895= (NM_001322468.1); c.83-9157T>G (NM_138297.5); c.83-5007T>G (NM_004532.6).
Identifiers: ClinVar variation 2654456 (VCV002654456.24), dbSNP rs2474631266, ClinGen allele CA438039268.